The following is an entry in ClinVar:

NM_001273.5(CHD4):c.3960C>G (p.His1320Gln)

Genes: CHD4 (chromodomain helicase DNA binding protein 4; minus strand), CHD4-AS1 (CHD4 antisense RNA 1; plus strand). Cytogenetic location: 12p13.31.
Variant type: single nucleotide variant.
Coding change: c.3960C>G on transcript NM_001273.5 (MANE Select); coding-DNA position 3960, C replaced by G.
Protein change: p.His1320Gln; replaces histidine 1320 with glutamine.
Molecular consequence: missense variant.
Genome position (GRCh38, 1-based): chr12:6,583,298, G>C on the plus strand (C>G on the coding strand, the complement: CHD4 is on the minus strand). VCF-style: chr12-6583298-G-C. GRCh37 (hg19) VCF-style: chr12-6692464-G-C.
Other names: c.3939C>G, p.His1313Gln (NM_001297553.2); c.3921C>G, p.His1307Gln (NM_001363606.2); short protein forms H1307Q, H1313Q, H1320Q.
Identifiers: ClinVar variation 3368338 (VCV003368338.1).

ClinVar aggregate classification (germline): Uncertain significance (1 of 4 stars; one submission).

Submission:

GeneDx
Classification: Uncertain significance. Last evaluated: 2024-01-25. Review status: criteria provided, single submitter. Criteria: GeneDx Variant Classification Process June 2021. Collection method: clinical testing. Allele origin: germline. Affected: yes.
Comment: Not observed at significant frequency in large population cohorts (gnomAD); In silico analysis supports that this missense variant has a deleterious effect on protein structure/function; Has not been previously published as pathogenic or benign to our knowledge